The following is an entry in ClinVar:

NM_000088.4(COL1A1):c.154_163del (p.Val52fs)

Gene: COL1A1 (collagen type I alpha 1 chain; minus strand). Cytogenetic location: 17q21.33.
Variant type: Deletion.
Coding change: c.154_163del on transcript NM_000088.4 (MANE Select); coding-DNA positions 154 to 163, 10 bases deleted (GTGTGGAAAC; older notation c.154_163delGTGTGGAAAC).
Protein change: p.Val52fs; shifts the reading frame from valine 52.
Molecular consequence: frameshift variant.
Genome position (GRCh38, 1-based): chr17:50,199,888-50,199,897, GTTTCCACAC deleted on the plus strand (GTGTGGAAAC on the coding strand, the reverse complement: COL1A1 is on the minus strand); deleting any 10 consecutive bases within chr17:50,199,888-50,199,899 gives the same sequence; the c. name uses the placement nearest the transcript's 3' end. VCF-style (leftmost placement, unchanged base first): chr17-50199887-GGTTTCCACAC-G. GRCh37 (hg19) VCF-style: chr17-48277248-GGTTTCCACAC-G.
Other names: short protein forms V52fs.
Identifiers: ClinVar variation 1407583 (VCV001407583.6), dbSNP rs2144594472, ClinGen allele CA2573154245.

ClinVar aggregate classification (germline): Pathogenic (1 of 4 stars; one submission).

Conditions:
Osteogenesis imperfecta type I (OI1). Also called: Lobstein disease; Classic Non-deforming Osteogenesis Imperfecta with Blue Sclerae; OI, TYPE I; OSTEOGENESIS IMPERFECTA TARDA; OSTEOGENESIS IMPERFECTA WITH BLUE SCLERAE; Osteogenesis imperfecta type 1. Identifiers: Orphanet 216796, Orphanet 666, MedGen C0023931, MONDO:0008146, OMIM 166200. Disease mechanism: loss of function.

Submission:

Labcorp Genetics (formerly Invitae), Labcorp
Classification: Pathogenic for Osteogenesis imperfecta type I. Last evaluated: 2025-03-31. Review status: criteria provided, single submitter. Criteria: Invitae Variant Classification Sherloc (09022015). Collection method: clinical testing. Allele origin: germline.
Comment: This sequence change creates a premature translational stop signal (p.Val52Profs*19) in the COL1A1 gene. It is expected to result in an absent or disrupted protein product. Loss-of-function variants in COL1A1 are known to be pathogenic (PMID: 7942841, 9295084, 9443882). This variant is not present in population databases (gnomAD no frequency). This variant has not been reported in the literature in individuals affected with COL1A1-related conditions. ClinVar contains an entry for this variant (Variation ID: 1407583). For these reasons, this variant has been classified as Pathogenic.

Literature cited by the submitters: PubMed 7942841; PubMed 9295084; PubMed 9443882.